The following is an entry in ClinVar:

NM_007294.4(BRCA1):c.1962G>C (p.Lys654Asn)

Gene: BRCA1 (BRCA1 DNA repair associated; minus strand). Cytogenetic location: 17q21.31.
Variant type: single nucleotide variant.
Coding change: c.1962G>C on transcript NM_007294.4 (MANE Select); coding-DNA position 1962, G replaced by C.
Protein change: p.Lys654Asn; replaces lysine 654 with asparagine.
Molecular consequence: missense variant. On other transcripts: intron variant (137).
Genome position (GRCh38, 1-based): chr17:43,093,569, C>G on the plus strand (G>C on the coding strand, the complement: BRCA1 is on the minus strand). VCF-style: chr17-43093569-C-G. GRCh37 (hg19) VCF-style: chr17-41245586-C-G.
Other names: c.1749G>C, p.Lys583Asn (NM_001407571.1, NM_001407853.1, NM_001407894.1 and 9 more transcripts); c.1962G>C, p.Lys654Asn (NM_001407581.1, NM_001407582.1, NM_001407583.1 and 30 more transcripts); c.1959G>C, p.Lys653Asn (NM_001407587.1, NM_001407590.1, NM_001407591.1 and 22 more transcripts); c.1953G>C, p.Lys651Asn (NM_001407646.1, NM_001407647.1); c.1839G>C, p.Lys613Asn (NM_001407648.1, NM_001407664.1, NM_001407665.1 and 19 more transcripts); c.1836G>C, p.Lys612Asn (NM_001407649.1, NM_001407670.1, NM_001407671.1 and 11 more transcripts); c.1884G>C, p.Lys628Asn (NM_001407653.1, NM_001407654.1, NM_001407655.1 and 4 more transcripts); c.1881G>C, p.Lys627Asn (NM_001407659.1, NM_001407660.1, NM_001407661.1 and 1 more transcripts); and 40 more; short protein forms K358N, K584N, K587N, K607N, K583N, K651N, K654N, K543N.
Identifiers: ClinVar variation 2005560 (VCV002005560.7), dbSNP rs1597873065, ClinGen allele CA10598093.
Genomic context (GRCh38, chr17:43,093,569, plus strand): 5'-AGGTTCTTTACCTTCCATGAGTTGTAGGTTTCTGCTGTGCCTGACTGGCATTTGGTTGTA[C>G]TTTTTTTTCTTTATCTCTTCACTGCTAGAACAACTATCAATTTGCAATTCAGTACAATTA-3'
Protein context (NP_009225.1, residues 644-664): CSSSEEIKKK[Lys654Asn]YNQMPVRHSR

ClinVar aggregate classification (germline): Conflicting classifications of pathogenicity. Review status: criteria provided, conflicting classifications (1 of 4 stars). 3 submissions from 3 submitters: Uncertain significance (1); Likely benign (2). Last evaluated 2025-10-15.

Conditions:
Hereditary breast ovarian cancer syndrome. Also called: BRCA1- and BRCA2-Associated Hereditary Breast and Ovarian Cancer; Hereditary breast and ovarian cancer syndrome (HBOC); Hereditary breast and/or ovarian cancer syndrome; Hereditary breast and ovarian cancer; Breast and ovarian cancer; Hereditary breast and ovarian cancer syndrome. Identifiers: Orphanet 145, MedGen C0677776, MeSH D061325, MONDO:0003582. Disease mechanism: loss of function.
Hereditary cancer-predisposing syndrome. Also called: Hereditary neoplastic syndrome; Hereditary Cancer Syndrome; Tumor predisposition; Neoplastic Syndromes, Hereditary. Identifiers: Orphanet 140162, MedGen C0027672, MeSH D009386, MONDO:0015356.

Submissions (3):

Ambry Genetics
Classification: Likely benign for Hereditary cancer-predisposing syndrome. Last evaluated: 2025-10-15. Review status: criteria provided, single submitter. Criteria: Ambry Variant Classification Scheme 2023. Collection method: clinical testing. Allele origin: germline.

University of Washington Department of Laboratory Medicine, University of Washington
Classification: Likely benign for Hereditary cancer-predisposing syndrome. Last evaluated: 2023-03-23. Review status: criteria provided, single submitter. Criteria: Dines et al. (Genet Med. 2020). Collection method: curation. Allele origin: germline.
Comment: Missense variant in a coldspot region where missense variants are very unlikely to be pathogenic (PMID:31911673).

BRCA1 coldspot (exon 11 using historical exon numbering). Reclassification based on statistical prior probability

Labcorp Genetics (formerly Invitae), Labcorp
Classification: Uncertain significance for Hereditary breast ovarian cancer syndrome. Last evaluated: 2022-10-03. Review status: criteria provided, single submitter. Criteria: Invitae Variant Classification Sherloc (09022015). Collection method: clinical testing. Allele origin: germline.
Comment: In summary, the available evidence is currently insufficient to determine the role of this variant in disease. Therefore, it has been classified as a Variant of Uncertain Significance. Advanced modeling of protein sequence and biophysical properties (such as structural, functional, and spatial information, amino acid conservation, physicochemical variation, residue mobility, and thermodynamic stability) performed at Invitae indicates that this missense variant is not expected to disrupt BRCA1 protein function. This variant has not been reported in the literature in individuals affected with BRCA1-related conditions. This variant is not present in population databases (gnomAD no frequency). This sequence change replaces lysine, which is basic and polar, with asparagine, which is neutral and polar, at codon 654 of the BRCA1 protein (p.Lys654Asn).